The following is an entry in ClinVar:

ClinVar aggregate classification (germline): Uncertain significance (1 of 4 stars; one submission).

Allele frequency attached by ClinVar (database versions not stated): gnomAD exomes below 0.00001.
gnomAD v4.1: 5 of 1,554,928 alleles (0.00032%); highest among the groups gnomAD compares: Non-Finnish European, 0.00035%; no homozygotes.

Submission:

Laboratory for Molecular Medicine, Mass General Brigham Personalized Medicine
Classification: Uncertain significance. Last evaluated: 2016-09-01. Review status: criteria provided, single submitter. Criteria: LMM Criteria. Collection method: clinical testing. Allele origin: germline. Observed: 1 variant allele.
Comment: The p.Val2241Leu variant in OTOGL has not been previously reported in individual s with hearing loss or in large population studies. Computational prediction too ls and conservation analysis do not provide strong support for or against an imp act to the protein. In summary, the clinical significance of the p.Val2241Leu va riant is uncertain.

NM_001378609.3(OTOGL):c.6748G>C (p.Val2250Leu)

Gene: OTOGL (otogelin like; plus strand). Cytogenetic location: 12q21.31.
Variant type: single nucleotide variant.
Coding change: c.6748G>C on transcript NM_001378609.3 (MANE Select); coding-DNA position 6748, G replaced by C.
Protein change: p.Val2250Leu; replaces valine 2250 with leucine.
Molecular consequence: missense variant.
Genome position (GRCh38, 1-based): chr12:80,372,031, G>C. VCF-style: chr12-80372031-G-C. GRCh37 (hg19) VCF-style: chr12-80765811-G-C.
Other names: c.6613G>C, p.Val2205Leu (NM_001368062.3); c.6748G>C, p.Val2250Leu (NM_001378610.3, NM_173591.7); short protein forms V2241L, V2205L, V2250L.
Identifiers: ClinVar variation 505328 (VCV000505328.5), dbSNP rs77741668, ClinGen allele CA385860405.